The following is an entry in ClinVar:

ClinVar aggregate classification (germline): Uncertain significance. Review status: criteria provided, multiple submitters, no conflicts (2 of 4 stars). 2 submissions from 2 submitters: Uncertain significance (2). Last evaluated 2024-02-17.

gnomAD v4.1: 14 of 1,609,550 alleles (0.00087%); highest among the groups gnomAD compares: Non-Finnish European, 0.0011%; no homozygotes.

Submissions (2):

Labcorp Genetics (formerly Invitae), Labcorp
Classification: Uncertain significance. Last evaluated: 2024-02-17. Review status: criteria provided, single submitter. Criteria: Invitae Variant Classification Sherloc (09022015). Collection method: clinical testing. Allele origin: germline.
Comment: This sequence change replaces alanine, which is neutral and non-polar, with threonine, which is neutral and polar, at codon 362 of the SLC1A2 protein (p.Ala362Thr). This variant is present in population databases (no rsID available, gnomAD 0.0009%). This variant has not been reported in the literature in individuals affected with SLC1A2-related conditions. ClinVar contains an entry for this variant (Variation ID: 2161690). Advanced modeling of protein sequence and biophysical properties (such as structural, functional, and spatial information, amino acid conservation, physicochemical variation, residue mobility, and thermodynamic stability) has been performed at Invitae for this missense variant, however the output from this modeling did not meet the statistical confidence thresholds required to predict the impact of this variant on SLC1A2 protein function. In summary, the available evidence is currently insufficient to determine the role of this variant in disease. Therefore, it has been classified as a Variant of Uncertain Significance.

Women's Health and Genetics/Laboratory Corporation of America, LabCorp
Classification: Uncertain significance. Last evaluated: 2024-01-26. Review status: criteria provided, single submitter. Criteria: LabCorp Variant Classification Summary - May 2015. Collection method: clinical testing. Allele origin: germline.
Comment: Variant summary: SLC1A2 c.1084G>A (p.Ala362Thr) results in a non-conservative amino acid change in the encoded protein sequence. Four of five in-silico tools predict a damaging effect of the variant on protein function. The variant allele was found at a frequency of 4e-06 in 250736 control chromosomes (gnomAD). The available data on variant occurrences in the general population are insufficient to allow any conclusion about variant significance. To our knowledge, no occurrence of c.1084G>A in individuals affected with Epileptic Encephalopathy, Early Infantile, 41 and no experimental evidence demonstrating its impact on protein function have been reported. ClinVar contains an entry for this variant (Variation ID: 2161690). Based on the evidence outlined above, the variant was classified as uncertain significance.

NM_004171.4(SLC1A2):c.1084G>A (p.Ala362Thr)

Gene: SLC1A2 (solute carrier family 1 member 2; minus strand). Cytogenetic location: 11p13.
Variant type: single nucleotide variant.
Coding change: c.1084G>A on transcript NM_004171.4 (MANE Select); coding-DNA position 1084, G replaced by A.
Protein change: p.Ala362Thr; replaces alanine 362 with threonine.
Molecular consequence: missense variant.
Genome position (GRCh38, 1-based): chr11:35,292,294, C>T on the plus strand (G>A on the coding strand, the complement: SLC1A2 is on the minus strand). VCF-style: chr11-35292294-C-T. GRCh37 (hg19) VCF-style: chr11-35313841-C-T.
Other names: c.1057G>A, p.Ala353Thr (NM_001195728.3, NM_001252652.2); short protein forms A353T, A362T.
Identifiers: ClinVar variation 2161690 (VCV002161690.5), dbSNP rs773804611, ClinGen allele CA380124471.